The following is an entry in ClinVar:

NM_201384.3(PLEC):c.13130del (p.Gly4377fs)

Gene: PLEC (plectin; minus strand). Cytogenetic location: 8q24.3.
Variant type: Deletion.
Coding change: c.13130del on transcript NM_201384.3 (MANE Select); coding-DNA position 13130, one base deleted (G; older notation c.13130delG).
Protein change: p.Gly4377fs; shifts the reading frame from glycine 4377.
Molecular consequence: frameshift variant.
Genome position (GRCh38, 1-based): chr8:143,916,691, C deleted on the plus strand (G on the coding strand, the reverse complement: PLEC is on the minus strand); the first of 3 consecutive C bases (chr8:143,916,691-143,916,693); deleting any one gives the same sequence. VCF-style (leftmost placement, unchanged base first): chr8-143916690-GC-G. GRCh37 (hg19) VCF-style: chr8-144990858-GC-G.
Other names: c.13211del, p.Gly4404fs (NM_000445.5); c.13088del, p.Gly4363fs (NM_201378.4); c.13064del, p.Gly4355fs (NM_201379.3); c.13541del, p.Gly4514fs (NM_201380.4); c.13034del, p.Gly4345fs (NM_201381.3); c.13130del, p.Gly4377fs (NM_201382.4); c.13142del, p.Gly4381fs (NM_201383.3); short protein forms G4381fs, G4345fs, G4363fs, G4404fs, G4514fs, G4355fs, G4377fs.
Identifiers: ClinVar variation 1359950 (VCV001359950.1), dbSNP rs2130806650, ClinGen allele CA2573142978.
Genomic context (GRCh38, chr8:143,916,690, plus strand): 5'-CAAGCCGCCGGTCAGGTACTGCACCTCCAGGAAGCGCTGGCCGGCCTCGTAGTAGAGCCA[GC>G]CCTTCTTCAGGGCCTGGGCGGCCGACATCTTGGTCTTGGTGCGTGGGTCCTCGAAGCCGC-3'

ClinVar aggregate classification (germline): Uncertain significance (1 of 4 stars; one submission).

Conditions:
Epidermolysis bullosa simplex 5B, with muscular dystrophy (EBS5B). Also called: Epidermolysis bullosa simplex with muscular dystrophy; EPIDERMOLYSIS BULLOSA SIMPLEX AND LIMB-GIRDLE MUSCULAR DYSTROPHY. Identifiers: Orphanet 257, MedGen C2931072, MONDO:0009181, OMIM 226670.
Epidermolysis bullosa simplex 5C, with pyloric atresia (EBS5C). Also called: Epidermolysis bullosa simplex with pyloric atresia; PLEC-Related Epidermolysis Bullosa with Pyloric Atresia; PLEC1-Related Epidermolysis Bullosa with Pyloric Atresia. Identifiers: Orphanet 158684, MedGen C2677349, MONDO:0012807, OMIM 612138.
Epidermolysis bullosa simplex with nail dystrophy (EBS5D). Identifiers: MedGen C4225309, MONDO:0014661, OMIM 616487.
Autosomal recessive limb-girdle muscular dystrophy type 2Q (LGMDR17). Also called: MUSCULAR DYSTROPHY, LIMB-GIRDLE, AUTOSOMAL RECESSIVE 17. Identifiers: Orphanet 254361, MedGen C3150989, MONDO:0013390, OMIM 613723.
Epidermolysis bullosa simplex, Ogna type (EBS5A). Also called: Pidermolysis bullosa simplex 5A, Ogna type; EPIDERMOLYSIS BULLOSA SIMPLEX 5A, OGNA TYPE. Identifiers: Orphanet 79401, MedGen C0432317, MONDO:0007555, OMIM 131950.

Submission:

Labcorp Genetics (formerly Invitae), Labcorp
Classification: Uncertain significance for Autosomal recessive limb-girdle muscular dystrophy type 2Q; Epidermolysis bullosa simplex, Ogna type; Epidermolysis bullosa simplex with nail dystrophy; Epidermolysis bullosa simplex 5C, with pyloric atresia; Epidermolysis bullosa simplex 5B, with muscular dystrophy. Last evaluated: 2021-07-26. Review status: criteria provided, single submitter. Criteria: Invitae Variant Classification Sherloc (09022015). Collection method: clinical testing. Allele origin: germline.
Comment: This sequence change creates a premature translational stop signal (p.Gly4404Alafs*17) in the PLEC gene. While this is not anticipated to result in nonsense mediated decay, it is expected to disrupt the last 171 amino acid(s) of the PLEC protein. This variant is not present in population databases (ExAC no frequency). This variant has not been reported in the literature in individuals affected with PLEC-related conditions. Experimental studies and prediction algorithms are not available or were not evaluated, and the functional significance of this variant is currently unknown. This variant disrupts the C-terminus of the PLEC protein. Other variant(s) that disrupt this region (p.Glu4492Glyfs*48) have been observed in individuals with PLEC-related conditions (PMID: 12071635). This suggests that this may be a clinically significant region of the protein. In summary, the available evidence is currently insufficient to determine the role of this variant in disease. Therefore, it has been classified as a Variant of Uncertain Significance.

Literature cited by the submitters: PubMed 12071635.